The following is an entry in ClinVar:

ClinVar aggregate classification (germline): Uncertain significance (1 of 4 stars; one submission).

Conditions:
Early-infantile DEE. Also called: Early infantile epileptic encephalopathy; Ohtahara syndrome; Early infantile epileptic encephalopathy with suppression bursts. Identifiers: Orphanet 1934, MedGen C0393706, MONDO:0800491.

Submission:

Labcorp Genetics (formerly Invitae), Labcorp
Classification: Uncertain significance for Early-infantile DEE. Last evaluated: 2019-05-18. Review status: criteria provided, single submitter. Criteria: Invitae Variant Classification Sherloc (09022015). Collection method: clinical testing. Allele origin: germline.
Comment: This sequence change replaces leucine with methionine at codon 854 of the SCN8A protein (p.Leu854Met). The leucine residue is highly conserved and there is a small physicochemical difference between leucine and methionine. This variant is not present in population databases (ExAC no frequency). Algorithms developed to predict the effect of missense changes on protein structure and function are either unavailable or do not agree on the potential impact of this missense change (SIFT: "Deleterious"; PolyPhen-2: "Probably Damaging"; Align-GVGD: "Class C0"). In summary, the available evidence is currently insufficient to determine the role of this variant in disease. Therefore, it has been classified as a Variant of Uncertain Significance.

NM_001330260.2(SCN8A):c.2560T>A (p.Leu854Met)

Gene: SCN8A (sodium voltage-gated channel alpha subunit 8; plus strand). Cytogenetic location: 12q13.13.
Variant type: single nucleotide variant.
Coding change: c.2560T>A on transcript NM_001330260.2 (MANE Select); coding-DNA position 2560, T replaced by A.
Protein change: p.Leu854Met; replaces leucine 854 with methionine.
Molecular consequence: missense variant.
Genome position (GRCh38, 1-based): chr12:51,765,686, T>A. VCF-style: chr12-51765686-T-A. GRCh37 (hg19) VCF-style: chr12-52159470-T-A.
Other names: c.2560T>A, p.Leu854Met (NM_001177984.3, NM_001369788.1, NM_014191.4); short protein forms L854M.
Identifiers: ClinVar variation 948943 (VCV000948943.10), dbSNP rs1942827739, ClinGen allele CA384886651.